The following is an entry in ClinVar:

NM_001365999.1(SZT2):c.7975-10C>T

Gene: SZT2 (SZT2 subunit of KICSTOR complex; plus strand). Cytogenetic location: 1p34.2.
Variant type: single nucleotide variant.
Coding change: c.7975-10C>T on transcript NM_001365999.1 (MANE Select); 10 bases into the intron before coding-DNA position 7975, C replaced by T.
Molecular consequence: intron variant.
Genome position (GRCh38, 1-based): chr1:43,442,432, C>T. VCF-style: chr1-43442432-C-T. GRCh37 (hg19) VCF-style: chr1-43908103-C-T.
Other names: p.?; c.7804-10C>T (NM_015284.4).
Identifiers: ClinVar variation 416958 (VCV000416958.17), dbSNP rs181831231, ClinGen allele CA810421.

ClinVar aggregate classification (germline): Benign/Likely benign. Review status: criteria provided, multiple submitters, no conflicts (2 of 4 stars). 6 submissions from 6 submitters: Benign (3); Likely benign (2). 1 of the submissions does not count toward it. Last evaluated 2026-02-03.

Conditions:
SZT2-related disorder. Also called: SZT2-related condition.
Developmental and epileptic encephalopathy, 18 (DEE18). Also called: Early infantile epileptic encephalopathy 18. Identifiers: Orphanet 369894, MedGen C3809624, MONDO:0014201, OMIM 615476.

Allele frequency attached by ClinVar (database versions not stated): gnomAD 0.00100 and 0.00143; gnomAD exomes 0.00132 and 0.00399; 1000 Genomes Project 0.00619; TOPMed 0.00183; ExAC 0.00380; 1000 Genomes Project 30x 0.00593.
gnomAD v4.1: 2,333 of 1,612,080 alleles (0.14%); highest among the groups gnomAD compares: East Asian, 2.1%; 34 homozygotes.

Submissions (6):

Labcorp Genetics (formerly Invitae), Labcorp
Classification: Benign. Last evaluated: 2026-02-03. Review status: criteria provided, single submitter. Criteria: Invitae Variant Classification Sherloc (09022015). Collection method: clinical testing. Allele origin: germline.

Athena Diagnostics
Classification: Benign. Last evaluated: 2024-10-01. Review status: criteria provided, single submitter. Criteria: Athena Diagnostics Criteria. Collection method: clinical testing. Allele origin: unknown.

Genome-Nilou Lab
Classification: Likely benign for Developmental and epileptic encephalopathy, 18. Last evaluated: 2023-04-11. Review status: criteria provided, single submitter. Criteria: ACMG Guidelines, 2015. Collection method: clinical testing. Allele origin: germline. Affected: no.

GeneDx
Classification: Likely benign. Last evaluated: 2021-01-20. Review status: criteria provided, single submitter. Criteria: GeneDx Variant Classification Process June 2021. Collection method: clinical testing. Allele origin: germline. Affected: yes.

Mayo Clinic Laboratories, Mayo Clinic
Classification: Benign. Last evaluated: 2020-12-24. Review status: criteria provided, single submitter. Criteria: ACMG Guidelines, 2015. Collection method: clinical testing. Allele origin: germline. Observed: 5 variant alleles.

PreventionGenetics, part of Exact Sciences
Classification: Benign for SZT2-related condition. Last evaluated: 2019-08-09. Review status: no assertion criteria provided. Collection method: clinical testing. Allele origin: germline. Not counted in ClinVar's aggregate classification.
Comment: This variant is classified as benign based on ACMG/AMP sequence variant interpretation guidelines (Richards et al. 2015 PMID: 25741868, with internal and published modifications).